The following is an entry in ClinVar:

NM_004360.5(CDH1):c.1833C>T (p.Val611=)

Gene: CDH1 (cadherin 1; plus strand). Cytogenetic location: 16q22.1.
Variant type: single nucleotide variant.
Coding change: c.1833C>T on transcript NM_004360.5 (MANE Select); coding-DNA position 1833, C replaced by T.
Protein change: p.Val611=; no amino-acid change (valine 611 retained).
Molecular consequence: synonymous variant. On other transcripts: 5 prime UTR variant (1).
Genome position (GRCh38, 1-based): chr16:68,822,122, C>T. VCF-style: chr16-68822122-C-T. GRCh37 (hg19) VCF-style: chr16-68856025-C-T.
Other names: c.1650C>T, p.Val550= (NM_001317184.2); c.285C>T, p.Val95= (NM_001317185.2); c.-133C>T (NM_001317186.2).
Identifiers: ClinVar variation 560832 (VCV000560832.10), dbSNP rs748413209, ClinGen allele CA8130155.
Genomic context (GRCh38, chr16:68,822,122, plus strand): 5'-CGCCCCCATACCAGAACCTCGAACTATATTCTTCTGTGAGAGGAATCCAAAGCCTCAGGT[C>T]ATAAACATCATTGATGCAGACCTTCCTCCCAATACATCTCCCTTCACAGCAGAACTAACA-3'
Protein context (NP_004351.1, residues 601-621): FFCERNPKPQ[Val611=]INIIDADLPP

ClinVar aggregate classification (germline): Benign/Likely benign. Review status: criteria provided, multiple submitters, no conflicts (2 of 4 stars). 5 submissions from 5 submitters: Benign (1); Likely benign (4). Last evaluated 2025-02-10.

Conditions:
Hereditary diffuse gastric adenocarcinoma (HDGC). Also called: DIFFUSE GASTRIC AND LOBULAR BREAST CANCER SYNDROME. Identifiers: Orphanet 26106, MedGen C1708349, MONDO:0007648, OMIM 137215.
Hereditary cancer-predisposing syndrome. Also called: Neoplastic Syndromes, Hereditary; Tumor predisposition; Hereditary Cancer Syndrome; Hereditary neoplastic syndrome. Identifiers: Orphanet 140162, MedGen C0027672, MeSH D009386, MONDO:0015356.

Allele frequency attached by ClinVar (database versions not stated): gnomAD exomes below 0.00001; ExAC 0.00001; gnomAD 0.00001; TOPMed 0.00001.
gnomAD v4.1: 4 of 1,614,034 alleles (0.00025%); highest among the groups gnomAD compares: Non-Finnish European, 0.00034%; no homozygotes.

Submissions (5):

Labcorp Genetics (formerly Invitae), Labcorp
Classification: Likely benign for Hereditary diffuse gastric adenocarcinoma. Last evaluated: 2025-02-10. Review status: criteria provided, single submitter. Criteria: Invitae Variant Classification Sherloc (09022015). Collection method: clinical testing. Allele origin: germline.

Color Diagnostics, LLC DBA Color Health
Classification: Likely benign for Hereditary cancer-predisposing syndrome. Last evaluated: 2025-01-13. Review status: criteria provided, single submitter. Criteria: ACMG Guidelines, 2015. Collection method: clinical testing. Allele origin: germline.

Myriad Genetics, Inc.
Classification: Benign for Hereditary diffuse gastric adenocarcinoma. Last evaluated: 2024-09-20. Review status: criteria provided, single submitter. Criteria: Myriad Autosomal Dominant, Autosomal Recessive and X-Linked Classification Criteria (2023). Collection method: clinical testing. Allele origin: unknown.
Comment: This variant is considered benign. This variant is a silent/synonymous amino acid change and it is not expected to impact splicing.

Ambry Genetics
Classification: Likely benign for Hereditary cancer-predisposing syndrome. Last evaluated: 2022-02-25. Review status: criteria provided, single submitter. Criteria: Ambry Variant Classification Scheme 2023. Collection method: clinical testing. Allele origin: germline.

PreventionGenetics, part of Exact Sciences
Classification: Likely benign. Last evaluated: 2017-10-05. Review status: criteria provided, single submitter. Criteria: ACMG Guidelines, 2015. Collection method: clinical testing. Allele origin: germline.